The following is an entry in ClinVar:

ClinVar aggregate classification (germline): Uncertain significance. Review status: criteria provided, multiple submitters, no conflicts (2 of 4 stars). 2 submissions from 2 submitters: Uncertain significance (2). Last evaluated 2025-06-24.

Conditions:
Hereditary cancer-predisposing syndrome. Also called: Tumor predisposition; Hereditary Cancer Syndrome; Hereditary neoplastic syndrome; Neoplastic Syndromes, Hereditary. Identifiers: Orphanet 140162, MedGen C0027672, MeSH D009386, MONDO:0015356.

Allele frequency attached by ClinVar (database versions not stated): gnomAD exomes below 0.00001; TOPMed below 0.00001; ExAC 0.00001; gnomAD 0.00001.
gnomAD v4.1: 3 of 1,614,048 alleles (0.00019%); highest among the groups gnomAD compares: South Asian, 0.0011%; no homozygotes.

Submissions (2):

Ambry Genetics
Classification: Uncertain significance for Hereditary cancer-predisposing syndrome. Last evaluated: 2025-06-24. Review status: criteria provided, single submitter. Criteria: Ambry Variant Classification Scheme 2023. Collection method: clinical testing. Allele origin: germline.
Comment: The p.L120F variant (also known as c.358C>T), located in coding exon 3 of the SMARCB1 gene, results from a C to T substitution at nucleotide position 358. The leucine at codon 120 is replaced by phenylalanine, an amino acid with highly similar properties. This amino acid position is highly conserved in available vertebrate species. In addition, the in silico prediction for this alteration is inconclusive. This variant was detected as heterozygous in individuals with no reported features of Coffin-Siris syndrome (Ambry internal data). Based on the supporting evidence, the association of this alteration with SMARCB1-related tumor predisposition syndrome is unknown; however, the association of this alteration with Coffin-Siris syndrome is unlikely.

Labcorp Genetics (formerly Invitae), Labcorp
Classification: Uncertain significance. Last evaluated: 2024-03-13. Review status: criteria provided, single submitter. Criteria: Invitae Variant Classification Sherloc (09022015). Collection method: clinical testing. Allele origin: germline.
Comment: This sequence change replaces leucine, which is neutral and non-polar, with phenylalanine, which is neutral and non-polar, at codon 120 of the SMARCB1 protein (p.Leu120Phe). This variant is present in population databases (rs754350320, gnomAD 0.006%). This variant has not been reported in the literature in individuals affected with SMARCB1-related conditions. ClinVar contains an entry for this variant (Variation ID: 410712). Advanced modeling of protein sequence and biophysical properties (such as structural, functional, and spatial information, amino acid conservation, physicochemical variation, residue mobility, and thermodynamic stability) performed at Invitae indicates that this missense variant is not expected to disrupt SMARCB1 protein function with a negative predictive value of 80%. In summary, the available evidence is currently insufficient to determine the role of this variant in disease. Therefore, it has been classified as a Variant of Uncertain Significance.

NM_003073.5(SMARCB1):c.358C>T (p.Leu120Phe)

Gene: SMARCB1 (SWI/SNF related BAF chromatin remodeling complex subunit B1; plus strand). Cytogenetic location: 22q11.23.
Variant type: single nucleotide variant.
Coding change: c.358C>T on transcript NM_003073.5 (MANE Select); coding-DNA position 358, C replaced by T.
Protein change: p.Leu120Phe; replaces leucine 120 with phenylalanine.
Molecular consequence: missense variant.
Genome position (GRCh38, 1-based): chr22:23,793,684, C>T. VCF-style: chr22-23793684-C-T. GRCh37 (hg19) VCF-style: chr22-24135871-C-T.
Other names: c.358C>T (LRG_520t1); c.331C>T, p.Leu111Phe (NM_001317946.2, NM_001007468.3); c.358C>T, p.Leu120Phe (NM_001362877.2); short protein forms L120F, L111F.
Identifiers: ClinVar variation 410712 (VCV000410712.14), dbSNP rs754350320, ClinGen allele CA10145894.